The following is an entry in ClinVar:

NM_000474.4(TWIST1):c.233C>G (p.Ser78Cys)

Gene: TWIST1 (twist family bHLH transcription factor 1; minus strand). Cytogenetic location: 7p21.1.
Variant type: single nucleotide variant.
Coding change: c.233C>G on transcript NM_000474.4 (MANE Select); coding-DNA position 233, C replaced by G.
Protein change: p.Ser78Cys; replaces serine 78 with cysteine.
Molecular consequence: missense variant. On other transcripts: non-coding transcript variant (1).
Genome position (GRCh38, 1-based): chr7:19,117,089, G>C on the plus strand (C>G on the coding strand, the complement: TWIST1 is on the minus strand). VCF-style: chr7-19117089-G-C. GRCh37 (hg19) VCF-style: chr7-19156712-G-C.
Other names: short protein forms S78C.
Identifiers: ClinVar variation 3781272 (VCV003781272.1).

ClinVar aggregate classification (germline): Uncertain significance (1 of 4 stars; one submission).

Submission:

GeneDx
Classification: Uncertain significance. Last evaluated: 2024-10-17. Review status: criteria provided, single submitter. Criteria: GeneDx Variant Classification Process June 2021. Collection method: clinical testing. Allele origin: germline. Affected: yes.
Comment: Not observed at significant frequency in large population cohorts (gnomAD); In silico analysis indicates that this missense variant does not alter protein structure/function; Has not been previously published as pathogenic or benign to our knowledge